The following is an entry in ClinVar:

NM_170784.3(MKKS):c.942_945del (p.Asp314fs)

Gene: MKKS (MKKS centrosomal shuttling protein; minus strand). Cytogenetic location: 20p12.2.
Variant type: Deletion.
Coding change: c.942_945del on transcript NM_170784.3 (MANE Select); coding-DNA positions 942 to 945, 4 bases deleted (CAGA; older notation c.942_945delCAGA).
Protein change: p.Asp314fs; shifts the reading frame from aspartic acid 314.
Molecular consequence: frameshift variant.
Genome position (GRCh38, 1-based): chr20:10,412,570-10,412,573, TCTG deleted on the plus strand (CAGA on the coding strand, the reverse complement: MKKS is on the minus strand); deleting any 4 consecutive bases within chr20:10,412,570-10,412,576 gives the same sequence; the c. name uses the placement nearest the transcript's 3' end. VCF-style (leftmost placement, unchanged base first): chr20-10412569-TTCTG-T. GRCh37 (hg19) VCF-style: chr20-10393217-TTCTG-T.
Other names: c.942_945del, p.Asp314fs (NM_018848.3); c.942_945delCAGA (NM_018848.3); short protein forms D314fs.
Identifiers: ClinVar variation 2158742 (VCV002158742.4), dbSNP rs1201949741, ClinGen allele CA634448065.

ClinVar aggregate classification (germline): Pathogenic/Likely pathogenic. Review status: criteria provided, multiple submitters, no conflicts (2 of 4 stars). 4 submissions from 4 submitters: Pathogenic (1); Likely pathogenic (3). Last evaluated 2026-05-03.

Conditions:
MKKS-related disorder. Also called: MKKS-related condition; MKKS-related disorders.
Bardet-Biedl syndrome 6 (BBS6). Identifiers: Orphanet 110, MedGen C1858054, MONDO:0011523, OMIM 605231.
Bardet-Biedl syndrome (BBS). Identifiers: Orphanet 110, MedGen C0752166, MONDO:0015229.
McKusick-Kaufman syndrome (MKKS). Also called: HYDROMETROCOLPOS SYNDROME; HYDROMETROCOLPOS, POSTAXIAL POLYDACTYLY, AND CONGENITAL HEART MALFORMATION. Identifiers: Orphanet 2473, MedGen C0948368, MONDO:0009367, OMIM 236700.

Submissions (4):

PreventionGenetics, part of Exact Sciences
Classification: Likely pathogenic for MKKS-related condition. Last evaluated: 2026-05-03. Review status: criteria provided, single submitter. Criteria: ACMG Guidelines, 2015. Collection method: clinical testing. Allele origin: germline.
Comment: The MKKS c.942_945delCAGA variant is predicted to result in a frameshift and premature protein termination (p.Asp314Glufs*4). To our knowledge, this variant has not been reported in the literature in association with MKKS-related disease. This variant is reported in 0.0062% of alleles in individuals of African descent in gnomAD. Frameshift variants in MKKS are expected to be pathogenic. This variant is interpreted as likely pathogenic.

Baylor Genetics
Classification: Likely pathogenic for Bardet-Biedl syndrome 6. Last evaluated: 2022-07-14. Review status: criteria provided, single submitter. Criteria: ACMG Guidelines, 2015. Collection method: clinical testing. Allele origin: unknown.

Blueprint Genetics
Classification: Likely pathogenic for MKKS-related disorders. Last evaluated: 2022-03-11. Review status: criteria provided, single submitter. Criteria: ACMG Guidelines, 2015. Collection method: clinical testing. Allele origin: germline. Affected: yes. Observed: 2 variant alleles.

Labcorp Genetics (formerly Invitae), Labcorp
Classification: Pathogenic for McKusick-Kaufman syndrome; Bardet-Biedl syndrome. Last evaluated: 2021-04-05. Review status: criteria provided, single submitter. Criteria: Invitae Variant Classification Sherloc (09022015). Collection method: clinical testing. Allele origin: germline.
Comment: This sequence change creates a premature translational stop signal (p.Asp314Glufs*4) in the MKKS gene. It is expected to result in an absent or disrupted protein product. Loss-of-function variants in MKKS are known to be pathogenic (PMID: 11179009, 28761321, 30614526). This variant is not present in population databases (ExAC no frequency). This variant has not been reported in the literature in individuals with MKKS-related conditions. For these reasons, this variant has been classified as Pathogenic.

Literature cited by the submitters: PubMed 11179009 (cited by Labcorp Genetics (formerly Invitae), Labcorp); PubMed 28761321 (cited by Labcorp Genetics (formerly Invitae), Labcorp); PubMed 30614526 (cited by Labcorp Genetics (formerly Invitae), Labcorp).